The following is an entry in ClinVar:

ClinVar aggregate classification (germline): Uncertain significance. Review status: criteria provided, multiple submitters, no conflicts (2 of 4 stars). 2 submissions from 2 submitters: Uncertain significance (2). Last evaluated 2021-12-22.

Conditions:
Inborn genetic diseases. Identifiers: MedGen C0950123, MeSH D030342.
Acrocallosal syndrome (ACLS). Also called: HALLUX DUPLICATION, POSTAXIAL POLYDACTYLY, AND ABSENCE OF CORPUS CALLOSUM; Schinzel syndrome 1; Absence of corpus callosum with unusual facial appearance, mental deficiency, duplication of the halluces and polydactyly. Identifiers: Orphanet 36, MedGen C0796147, MONDO:0008708, OMIM 200990.

Allele frequency attached by ClinVar (database versions not stated): gnomAD 0.00005; TOPMed 0.00007.
gnomAD v4.1: 15 of 1,551,690 alleles (0.00097%); highest among the groups gnomAD compares: African/African-American, 0.018%; no homozygotes.

Submissions (2):

Labcorp Genetics (formerly Invitae), Labcorp
Classification: Uncertain significance for Acrocallosal syndrome. Last evaluated: 2021-12-22. Review status: criteria provided, single submitter. Criteria: Invitae Variant Classification Sherloc (09022015). Collection method: clinical testing. Allele origin: germline.
Comment: This sequence change replaces valine, which is neutral and non-polar, with isoleucine, which is neutral and non-polar, at codon 75 of the KIF7 protein (p.Val75Ile). This variant is present in population databases (no rsID available, gnomAD 0.008%). This variant has not been reported in the literature in individuals affected with KIF7-related conditions. Algorithms developed to predict the effect of missense changes on protein structure and function are either unavailable or do not agree on the potential impact of this missense change (SIFT: "Deleterious"; PolyPhen-2: "Probably Damaging"; Align-GVGD: "Class C0"). In summary, the available evidence is currently insufficient to determine the role of this variant in disease. Therefore, it has been classified as a Variant of Uncertain Significance.

Ambry Genetics
Classification: Uncertain significance for Inborn genetic diseases. Last evaluated: 2021-07-27. Review status: criteria provided, single submitter. Criteria: Ambry Variant Classification Scheme 2023. Collection method: clinical testing. Allele origin: germline.

NM_198525.3(KIF7):c.223G>A (p.Val75Ile)

Gene: KIF7 (kinesin family member 7; minus strand). Cytogenetic location: 15q26.1.
Variant type: single nucleotide variant.
Coding change: c.223G>A on transcript NM_198525.3 (MANE Select); coding-DNA position 223, G replaced by A.
Protein change: p.Val75Ile; replaces valine 75 with isoleucine.
Molecular consequence: missense variant.
Genome position (GRCh38, 1-based): chr15:89,652,708, C>T on the plus strand (G>A on the coding strand, the complement: KIF7 is on the minus strand). VCF-style: chr15-89652708-C-T. GRCh37 (hg19) VCF-style: chr15-90195939-C-T.
Other names: c.223G>A (NM_198525.2); short protein forms V75I.
Identifiers: ClinVar variation 2200792 (VCV002200792.2), dbSNP rs1227247256, ClinGen allele CA393780007.